The following is an entry in ClinVar:

NM_001457.4(FLNB):c.2450G>A (p.Gly817Glu)

Gene: FLNB (filamin B; plus strand). Cytogenetic location: 3p14.3.
Variant type: single nucleotide variant.
Coding change: c.2450G>A on transcript NM_001457.4 (MANE Select); coding-DNA position 2450, G replaced by A.
Protein change: p.Gly817Glu; replaces glycine 817 with glutamic acid.
Molecular consequence: missense variant.
Genome position (GRCh38, 1-based): chr3:58,110,136, G>A. VCF-style: chr3-58110136-G-A. GRCh37 (hg19) VCF-style: chr3-58095863-G-A.
Other names: c.2450G>A (NM_001457.3); c.2450G>A, p.Gly817Glu (NM_001164317.2, NM_001164318.2, NM_001164319.2); short protein forms G817E.
Identifiers: ClinVar variation 4078660 (VCV004078660.3).

ClinVar aggregate classification (germline): Uncertain significance. Review status: criteria provided, multiple submitters, no conflicts (2 of 4 stars). 3 submissions from 3 submitters: Uncertain significance (3). Last evaluated 2025-02-17.

Conditions:
FLNB-related disorder. Also called: FLNB-related disorders; FLNB-related condition. Identifiers: MedGen CN381095.

gnomAD v4.1: 5 of 1,614,170 alleles (0.00031%); highest among the groups gnomAD compares: Admixed American, 0.0067%; no homozygotes.

Submissions (3):

Labcorp Genetics (formerly Invitae), Labcorp
Classification: Uncertain significance. Last evaluated: 2025-02-17. Review status: criteria provided, single submitter. Criteria: Invitae Variant Classification Sherloc (09022015). Collection method: clinical testing. Allele origin: germline.
Comment: This sequence change replaces glycine, which is neutral and non-polar, with glutamic acid, which is acidic and polar, at codon 817 of the FLNB protein (p.Gly817Glu). This variant is present in population databases (no rsID available, gnomAD 0.009%). This variant has not been reported in the literature in individuals affected with FLNB-related conditions. Invitae Evidence Modeling of protein sequence and biophysical properties (such as structural, functional, and spatial information, amino acid conservation, physicochemical variation, residue mobility, and thermodynamic stability) indicates that this missense variant is expected to disrupt FLNB protein function with a positive predictive value of 95%. In summary, the available evidence is currently insufficient to determine the role of this variant in disease. Therefore, it has been classified as a Variant of Uncertain Significance.

PreventionGenetics, part of Exact Sciences
Classification: Uncertain significance for FLNB-related condition. Last evaluated: 2024-11-26. Review status: criteria provided, single submitter. Criteria: ACMG Guidelines, 2015. Collection method: clinical testing. Allele origin: germline.
Comment: The FLNB c.2450G>A variant is predicted to result in the amino acid substitution p.Gly817Glu. To our knowledge, this variant has not been reported in the literature. This variant is reported in 0.0087% of alleles in individuals of Latino descent in gnomAD. At this time, the clinical significance of this variant is uncertain due to the absence of conclusive functional and genetic evidence.

Revvity Omics, Revvity
Classification: Uncertain significance. Last evaluated: 2024-06-07. Review status: criteria provided, single submitter. Criteria: ACMG Guidelines, 2015. Collection method: clinical testing. Allele origin: germline.